The following is an entry in ClinVar:

NM_000051.4(ATM):c.8254A>C (p.Ile2752Leu)

Genes: ATM (ATM serine/threonine kinase; plus strand), C11orf65 (chromosome 11 open reading frame 65; minus strand). Cytogenetic location: 11q22.3.
Variant type: single nucleotide variant.
Coding change: c.8254A>C on transcript NM_000051.4 (MANE Select); coding-DNA position 8254, A replaced by C.
Protein change: p.Ile2752Leu; replaces isoleucine 2752 with leucine.
Molecular consequence: missense variant. On other transcripts: intron variant (2).
Genome position (GRCh38, 1-based): chr11:108,335,947, A>C. VCF-style: chr11-108335947-A-C. GRCh37 (hg19) VCF-style: chr11-108206674-A-C.
Other names: c.8254A>C, p.Ile2752Leu (NM_001351834.2); c.641-26876T>G (NM_001330368.2); c.695-655T>G (NM_001351110.2); short protein forms I2752L.
Identifiers: ClinVar variation 1762637 (VCV001762637.7), dbSNP rs1215163673, ClinGen allele CA382562673.

ClinVar aggregate classification (germline): Uncertain significance. Review status: criteria provided, multiple submitters, no conflicts (2 of 4 stars). 2 submissions from 2 submitters: Uncertain significance (2). Last evaluated 2025-04-23.

Conditions:
Ataxia-telangiectasia syndrome (AT). Also called: Ataxia telangiectasia (A-T); LOUIS-BAR SYNDROME; Cerebello-oculocutaneous telangiectasia; Immunodeficiency with ataxia telangiectasia; Ataxia-telangiectasia, complementation group D; AT, COMPLEMENTATION GROUP C. Identifiers: Orphanet 100, MedGen C0004135, MONDO:0008840, OMIM 208900.
Hereditary cancer-predisposing syndrome. Also called: Hereditary neoplastic syndrome; Neoplastic Syndromes, Hereditary; Tumor predisposition; Hereditary Cancer Syndrome. Identifiers: Orphanet 140162, MedGen C0027672, MeSH D009386, MONDO:0015356.

Submissions (2):

Labcorp Genetics (formerly Invitae), Labcorp
Classification: Uncertain significance for Ataxia-telangiectasia syndrome. Last evaluated: 2025-04-23. Review status: criteria provided, single submitter. Criteria: Invitae Variant Classification Sherloc (09022015). Collection method: clinical testing. Allele origin: germline.
Comment: This sequence change replaces isoleucine, which is neutral and non-polar, with leucine, which is neutral and non-polar, at codon 2752 of the ATM protein (p.Ile2752Leu). This variant is not present in population databases (gnomAD no frequency). This variant has not been reported in the literature in individuals affected with ATM-related conditions. ClinVar contains an entry for this variant (Variation ID: 1762637). Invitae Evidence Modeling of protein sequence and biophysical properties (such as structural, functional, and spatial information, amino acid conservation, physicochemical variation, residue mobility, and thermodynamic stability) has been performed for this missense variant. However, the output from this modeling did not meet the statistical confidence thresholds required to predict the impact of this variant on ATM protein function. In summary, the available evidence is currently insufficient to determine the role of this variant in disease. Therefore, it has been classified as a Variant of Uncertain Significance.

Ambry Genetics
Classification: Uncertain significance for Hereditary cancer-predisposing syndrome. Last evaluated: 2021-09-01. Review status: criteria provided, single submitter. Criteria: Ambry Variant Classification Scheme 2023. Collection method: clinical testing. Allele origin: germline.
Comment: The p.I2752L variant (also known as c.8254A>C), located in coding exon 55 of the ATM gene, results from an A to C substitution at nucleotide position 8254. The isoleucine at codon 2752 is replaced by leucine, an amino acid with highly similar properties. This amino acid position is conserved. In addition, this alteration is predicted to be deleterious by in silico analysis. Since supporting evidence is limited at this time, the clinical significance of this alteration remains unclear.